The following is an entry in ClinVar:

NM_002439.5(MSH3):c.1027+54C>T

Genes: MSH3 (mutS homolog 3; plus strand), LOC126807437 (MED14-independent group 3 enhancer GRCh37_chr5:79968379-79969578; plus strand). Cytogenetic location: 5q14.1.
Variant type: single nucleotide variant.
Coding change: c.1027+54C>T on transcript NM_002439.5 (MANE Select); 54 bases into the intron after coding-DNA position 1027, C replaced by T.
Molecular consequence: intron variant.
Genome position (GRCh38, 1-based): chr5:80,672,912, C>T. VCF-style: chr5-80672912-C-T. GRCh37 (hg19) VCF-style: chr5-79968731-C-T.
Identifiers: ClinVar variation 2451070 (VCV002451070.3), dbSNP rs1264367206, ClinGen allele CA1077958263.

ClinVar aggregate classification (germline): Uncertain significance (1 of 4 stars; one submission).

Conditions:
Hereditary cancer-predisposing syndrome. Also called: Neoplastic Syndromes, Hereditary; Tumor predisposition; Hereditary neoplastic syndrome; Hereditary Cancer Syndrome. Identifiers: Orphanet 140162, MedGen C0027672, MeSH D009386, MONDO:0015356.

Allele frequency attached by ClinVar (database versions not stated): gnomAD exomes 0.00001.
gnomAD v4.1: 16 of 1,384,718 alleles (0.0012%); highest among the groups gnomAD compares: South Asian, 0.019%; 1 homozygote.

Submission:

Ambry Genetics
Classification: Uncertain significance for Hereditary cancer-predisposing syndrome. Last evaluated: 2025-05-08. Review status: criteria provided, single submitter. Criteria: Ambry Variant Classification Scheme 2023. Collection method: clinical testing. Allele origin: germline.
Comment: The c.1027+54C>T intronic variant results from a C to T substitution 54 nucleotides after coding exon 6 in the MSH3 gene. This nucleotide position is highly conserved on limited sequence alignment. In silico splice site analysis predicts that this alteration will result in the creation or strengthening of a novel splice donor site; however, direct evidence is insufficient at this time (Ambry internal data). Based on the available evidence, the clinical significance of this variant remains unclear.